The following is an entry in ClinVar:

ClinVar aggregate classification (germline): Uncertain significance. Review status: criteria provided, multiple submitters, no conflicts (2 of 4 stars). 3 submissions from 3 submitters: Uncertain significance (3). Last evaluated 2024-02-28.

Conditions:
Familial thoracic aortic aneurysm and aortic dissection (TAAD). Also called: Thoracic aortic aneurysms and dissections. Identifiers: Orphanet 91387, MedGen C4707243, MONDO:0019625.
Marfan syndrome (MFS). Also called: Marfan syndrome, classic; Marfan syndrome type 1; Marfan's syndrome; FBN1-Related Marfan Syndrome; MARFAN SYNDROME, TYPE I. Identifiers: Orphanet 284963, Orphanet 558, MedGen C0024796, MONDO:0007947, OMIM 154700.

Allele frequency attached by ClinVar (database versions not stated): ExAC 0.00001; ESP Exome Variant Server 0.00008; TOPMed 0.00001; gnomAD 0.00001.
gnomAD v4.1: 5 of 1,609,848 alleles (0.00031%); highest among the groups gnomAD compares: Non-Finnish European, 0.00042%; no homozygotes.

Submissions (3):

Labcorp Genetics (formerly Invitae), Labcorp
Classification: Uncertain significance for Marfan syndrome; Familial thoracic aortic aneurysm and aortic dissection. Last evaluated: 2024-02-28. Review status: criteria provided, single submitter. Criteria: Invitae Variant Classification Sherloc (09022015). Collection method: clinical testing. Allele origin: germline.
Comment: This sequence change falls in intron 41 of the FBN1 gene. It does not directly change the encoded amino acid sequence of the FBN1 protein. It affects a nucleotide within the consensus splice site. This variant is not present in population databases (gnomAD no frequency). This variant has not been reported in the literature in individuals affected with FBN1-related conditions. ClinVar contains an entry for this variant (Variation ID: 921720). Variants that disrupt the consensus splice site are a relatively common cause of aberrant splicing (PMID: 17576681, 9536098). Algorithms developed to predict the effect of sequence changes on RNA splicing suggest that this variant is not likely to affect RNA splicing. In summary, the available evidence is currently insufficient to determine the role of this variant in disease. Therefore, it has been classified as a Variant of Uncertain Significance.

AiLife Diagnostics
Classification: Uncertain significance. Last evaluated: 2021-12-23. Review status: criteria provided, single submitter. Criteria: ACMG Guidelines, 2015. Collection method: clinical testing. Allele origin: germline. Affected: yes. Observed: 1 variant allele.

Color Diagnostics, LLC DBA Color Health
Classification: Uncertain significance for Familial thoracic aortic aneurysm and aortic dissection. Last evaluated: 2020-02-09. Review status: criteria provided, single submitter. Criteria: ACMG Guidelines, 2015. Collection method: clinical testing. Allele origin: germline.
Comment: This variant causes an A>G nucleotide substitution at the +4 position of intron 41 of the FBN1 gene. Splice site prediction tools and conservation analysis are inconclusive regarding the impact of this variant on RNA splicing. To our knowledge, functional studies have not been performed for this variant. This variant has not been reported in individuals affected with cardiovascular disorders in the literature. This variant has been identified in 1/245364 chromosomes in the general population by the Genome Aggregation Database (gnomAD). The available evidence is insufficient to determine the role of this variant in disease conclusively. Therefore, this variant is classified as a Variant of Uncertain Significance.

Literature cited by the submitters: PubMed 17576681 (cited by Labcorp Genetics (formerly Invitae), Labcorp); PubMed 9536098 (cited by Labcorp Genetics (formerly Invitae), Labcorp).

NM_000138.5(FBN1):c.5065+4A>G

Gene: FBN1 (fibrillin 1; minus strand). Cytogenetic location: 15q21.1.
Variant type: single nucleotide variant.
Coding change: c.5065+4A>G on transcript NM_000138.5 (MANE Select); 4 bases into the intron after coding-DNA position 5065, A replaced by G.
Molecular consequence: intron variant.
Genome position (GRCh38, 1-based): chr15:48,463,895, T>C on the plus strand (A>G on the coding strand, the complement: FBN1 is on the minus strand). VCF-style: chr15-48463895-T-C. GRCh37 (hg19) VCF-style: chr15-48756092-T-C.
Identifiers: ClinVar variation 921720 (VCV000921720.5), dbSNP rs370287674, ClinGen allele CA054198.